The following is an entry in ClinVar:

ClinVar aggregate classification (germline): Benign (1 of 4 stars; one submission).

Conditions:
Occult macular dystrophy (OCMD). Also called: OMD; OCCULT MACULAR DYSTROPHY, SUSCEPTIBILITY TO. Identifiers: Orphanet 247834, MedGen C3150833, MONDO:0013316, OMIM 613587, HP:0030636.

Submission:

Illumina Laboratory Services, Illumina
Classification: Benign for Occult macular dystrophy. Last evaluated: 2018-01-12. Review status: criteria provided, single submitter. Criteria: ICSL Variant Classification Criteria 13 December 2019. Collection method: clinical testing. Allele origin: germline.
Comment: This variant was observed in the ICSL laboratory as part of a predisposition screen in an ostensibly healthy population. It had not been previously curated by ICSL or reported in the Human Gene Mutation Database (HGMD: prior to June 1st, 2018), and was therefore a candidate for classification through an automated scoring system. Utilizing variant allele frequency, disease prevalence and penetrance estimates, and inheritance mode, an automated score was calculated to assess if this variant is too frequent to cause the disease. Based on the score and internal cut-off values, a variant classified as benign is not then subjected to further curation. The score for this variant resulted in a classification of benign for this disease.

NM_178857.6(RP1L1):c.3956C>T (p.Ala1319Val)

Gene: RP1L1 (RP1 like 1). Cytogenetic location: 8p23.1.
Variant type: single nucleotide variant.
Coding change: c.3956C>T on transcript NM_178857.6 (MANE Select); coding-DNA position 3956, C replaced by T.
Protein change: p.Ala1319Val; replaces alanine 1319 with valine.
Molecular consequence: missense variant.
Genome position (GRCh38, 1-based): chr8:10,610,142, G>A on the plus strand (C>T on the coding strand, the complement: RP1L1 is on the minus strand). VCF-style: chr8-10610142-G-A. GRCh37 (hg19) VCF-style: chr8-10467652-G-A.
Other names: short protein forms A1319V.
Identifiers: ClinVar variation 908415 (VCV000908415.4), dbSNP rs4840501, ClinGen allele CA4624298.